The following is an entry in ClinVar:

NM_000399.5(EGR2):c.165C>G (p.Ala55=)

Gene: EGR2 (early growth response 2; minus strand). Cytogenetic location: 10q21.3.
Variant type: single nucleotide variant.
Coding change: c.165C>G on transcript NM_000399.5 (MANE Select); coding-DNA position 165, C replaced by G.
Protein change: p.Ala55=; no amino-acid change (alanine 55 retained).
Molecular consequence: synonymous variant.
Genome position (GRCh38, 1-based): chr10:62,815,865, G>C on the plus strand (C>G on the coding strand, the complement: EGR2 is on the minus strand). VCF-style: chr10-62815865-G-C. GRCh37 (hg19) VCF-style: chr10-64575625-G-C.
Other names: c.165C>G, p.Ala55= (NM_001136177.3, NM_001136178.2); c.15C>G, p.Ala5= (NM_001136179.3, NM_001321037.2).
Identifiers: ClinVar variation 462784 (VCV000462784.33), dbSNP rs151290032, ClinGen allele CA5517332.

ClinVar aggregate classification (germline): Likely benign. Review status: criteria provided, multiple submitters, no conflicts (2 of 4 stars). 3 submissions from 3 submitters: Likely benign (3). Last evaluated 2024-01-01.

Conditions:
Inborn genetic diseases. Identifiers: MedGen C0950123, MeSH D030342.
Charcot-Marie-Tooth disease, type I (CMT1). Also called: Charcot-Marie-Tooth disease type 1; Charcot-Marie-Tooth, Type 1. Identifiers: Orphanet 65753, MedGen C0751036, MONDO:0019011.

Allele frequency attached by ClinVar (database versions not stated): ExAC 0.00001; gnomAD 0.00001; gnomAD exomes 0.00001; TOPMed 0.00002; ESP Exome Variant Server 0.00008.
gnomAD v4.1: 28 of 1,613,868 alleles (0.0017%); highest among the groups gnomAD compares: Non-Finnish European, 0.0021%; no homozygotes.

Submissions (3):

CeGaT Center for Human Genetics Tuebingen
Classification: Likely benign. Last evaluated: 2024-01-01. Review status: criteria provided, single submitter. Criteria: CeGaT Center For Human Genetics Tuebingen Variant Classification Criteria Version 2. Collection method: clinical testing. Allele origin: germline. Affected: yes. Observed: 1 variant allele.
Comment: EGR2: BP4, BP7

Labcorp Genetics (formerly Invitae), Labcorp
Classification: Likely benign for Charcot-Marie-Tooth disease, type I. Last evaluated: 2023-09-29. Review status: criteria provided, single submitter. Criteria: Invitae Variant Classification Sherloc (09022015). Collection method: clinical testing. Allele origin: germline.

Ambry Genetics
Classification: Likely benign for Inborn genetic diseases. Last evaluated: 2019-07-11. Review status: criteria provided, single submitter. Criteria: Ambry Variant Classification Scheme 2023. Collection method: clinical testing. Allele origin: germline.